The following is an entry in ClinVar:

ClinVar aggregate classification (germline): Pathogenic (1 of 4 stars; one submission).

Conditions:
Blepharophimosis, ptosis, and epicanthus inversus syndrome. Identifiers: Orphanet 126, MedGen C0220663, MONDO:0007201, OMIM 110100.

Submission:

Genomic Diagnostic Laboratory, Division of Genomic Diagnostics, Children's Hospital of Philadelphia
Classification: Pathogenic for Blepharophimosis, ptosis, and epicanthus inversus syndrome. Last evaluated: 2016-11-03. Review status: criteria provided, single submitter. Criteria: DGD Variant Analysis Guidelines. Collection method: clinical testing. Allele origin: germline. Affected: yes. Observed: 1 variant allele.
Comment: Clinical Testing

NM_023067.4(FOXL2):c.951_961dup (p.Gln321fs)

Gene: FOXL2 (forkhead box L2; minus strand). Cytogenetic location: 3q22.3.
Variant type: Duplication.
Coding change: c.951_961dup on transcript NM_023067.4 (MANE Select); coding-DNA positions 951 to 961, 11 bases duplicated (GCCGCCGGGCC).
Protein change: p.Gln321fs; shifts the reading frame from glutamine 321.
Molecular consequence: frameshift variant.
Genome position (GRCh38, 1-based): chr3:138,945,762-138,945,772, GGCCCGGCGGC duplicated on the plus strand (GCCGCCGGGCC on the coding strand, the reverse complement: FOXL2 is on the minus strand); duplicating any 11 consecutive bases within chr3:138,945,762-138,945,775 gives the same sequence; the c. name uses the placement nearest the transcript's 3' end. VCF-style (leftmost placement, unchanged base first): chr3-138945761-T-TGGCCCGGCGGC. GRCh37 (hg19) VCF-style: chr3-138664603-T-TGGCCCGGCGGC.
Other names: short protein forms Q321fs.
Identifiers: ClinVar variation 369936 (VCV000369936.1), dbSNP rs1057516183, ClinGen allele CA10654858.